The following is an entry in ClinVar:

ClinVar aggregate classification (germline): Uncertain significance. Review status: criteria provided, multiple submitters, no conflicts (2 of 4 stars). 3 submissions from 3 submitters: Uncertain significance (3). Last evaluated 2024-08-01.

Conditions:
Congenital muscular dystrophy due to integrin alpha-7 deficiency. Also called: MYOPATHY, CONGENITAL, DUE TO INTEGRIN ALPHA-7 DEFICIENCY; Muscular dystrophy, congenital, due to ITGA7 deficiency; Congenital muscular dystrophy with integrin alpha-7 deficiency. Identifiers: Orphanet 34520, MedGen C2750786, MONDO:0013177, OMIM 613204.

gnomAD v4.1: 2 of 1,613,744 alleles (0.00012%); highest among the groups gnomAD compares: Non-Finnish European, 0.00017%; no homozygotes.

Submissions (3):

Ambry Genetics
Classification: Uncertain significance. Last evaluated: 2024-08-01. Review status: criteria provided, single submitter. Criteria: Ambry Variant Classification Scheme 2023. Collection method: clinical testing. Allele origin: germline.

GeneDx
Classification: Uncertain significance. Last evaluated: 2022-07-21. Review status: criteria provided, single submitter. Criteria: GeneDx Variant Classification Process June 2021. Collection method: clinical testing. Allele origin: germline. Affected: yes.
Comment: Not observed at significant frequency in large population cohorts (gnomAD); In silico analysis supports that this missense variant does not alter protein structure/function; Has not been previously published as pathogenic or benign to our knowledge

Labcorp Genetics (formerly Invitae), Labcorp
Classification: Uncertain significance for Congenital muscular dystrophy due to integrin alpha-7 deficiency. Last evaluated: 2022-07-09. Review status: criteria provided, single submitter. Criteria: Invitae Variant Classification Sherloc (09022015). Collection method: clinical testing. Allele origin: germline.
Comment: In summary, the available evidence is currently insufficient to determine the role of this variant in disease. Therefore, it has been classified as a Variant of Uncertain Significance. Algorithms developed to predict the effect of missense changes on protein structure and function are either unavailable or do not agree on the potential impact of this missense change (SIFT: "Tolerated"; PolyPhen-2: "Possibly Damaging"; Align-GVGD: "Class C0"). This variant has not been reported in the literature in individuals affected with ITGA7-related conditions. This variant is not present in population databases (gnomAD no frequency). This sequence change replaces methionine, which is neutral and non-polar, with valine, which is neutral and non-polar, at codon 864 of the ITGA7 protein (p.Met864Val).

NM_002206.3(ITGA7):c.2590A>G (p.Met864Val)

Gene: ITGA7 (integrin subunit alpha 7; minus strand). Cytogenetic location: 12q13.2.
Variant type: single nucleotide variant.
Coding change: c.2590A>G on transcript NM_002206.3 (MANE Select); coding-DNA position 2590, A replaced by G.
Protein change: p.Met864Val; replaces methionine 864 with valine.
Molecular consequence: missense variant.
Genome position (GRCh38, 1-based): chr12:55,693,263, T>C on the plus strand (A>G on the coding strand, the complement: ITGA7 is on the minus strand). VCF-style: chr12-55693263-T-C. GRCh37 (hg19) VCF-style: chr12-56087047-T-C.
Other names: c.2602A>G, p.Met868Val (NM_001144996.2); c.2311A>G, p.Met771Val (NM_001144997.2); c.2263A>G, p.Met755Val (NM_001367993.1); c.1246A>G, p.Met416Val (NM_001367994.1); c.2572A>G, p.Met858Val (NM_001374465.1); c.2722A>G, p.Met908Val (NM_001410977.1); c.2584A>G, p.Met862Val (NM_001414029.1); c.2515A>G, p.Met839Val (NM_001414030.1); and 5 more; short protein forms M803V, M864V, M868V, M416V, M751V, M771V, M824V, M908V.
Identifiers: ClinVar variation 2041079 (VCV002041079.5), dbSNP rs2539708903, ClinGen allele CA385181729.